The following is an entry in ClinVar:

NM_001110556.2(FLNA):c.4318del (p.Val1440fs)

Gene: FLNA (filamin A; minus strand). Cytogenetic location: Xq28.
Variant type: Deletion.
Coding change: c.4318del on transcript NM_001110556.2 (MANE Select); coding-DNA position 4318, one base deleted (G; older notation c.4318delG).
Protein change: p.Val1440fs; shifts the reading frame from valine 1440.
Molecular consequence: frameshift variant.
Genome position (GRCh38, 1-based): chrX:154,359,140, C deleted on the plus strand (G on the coding strand, the reverse complement: FLNA is on the minus strand); the first of 2 consecutive C bases (chrX:154,359,140-154,359,141); deleting either gives the same sequence. VCF-style (leftmost placement, unchanged base first): chrX-154359139-AC-A. GRCh37 (hg19) VCF-style: chrX-153587507-AC-A.
Other names: c.4318del, p.Val1440fs (NM_001456.4); short protein forms V1440fs.
Identifiers: ClinVar variation 2573947 (VCV002573947.1), dbSNP rs2522737559, ClinGen allele CA2580612324.

ClinVar aggregate classification (germline): Likely pathogenic (1 of 4 stars; one submission).

Submission:

GeneDx
Classification: Likely pathogenic. Last evaluated: 2023-01-18. Review status: criteria provided, single submitter. Criteria: GeneDx Variant Classification Process June 2021. Collection method: clinical testing. Allele origin: germline. Affected: yes.
Comment: Frameshift variant predicted to result in protein truncation or nonsense mediated decay in a gene for which loss of function is a known mechanism of disease; Not observed at significant frequency in large population cohorts (gnomAD); Has not been previously published as pathogenic or benign to our knowledge